The following is an entry in ClinVar:

NM_001939.3(DRP2):c.1789C>T (p.Arg597Trp)

Gene: DRP2 (dystrophin related protein 2; plus strand). Cytogenetic location: Xq22.1.
Variant type: single nucleotide variant.
Coding change: c.1789C>T on transcript NM_001939.3 (MANE Select); coding-DNA position 1789, C replaced by T.
Protein change: p.Arg597Trp; replaces arginine 597 with tryptophan.
Molecular consequence: missense variant.
Genome position (GRCh38, 1-based): chrX:101,251,007, C>T. VCF-style: chrX-101251007-C-T. GRCh37 (hg19) VCF-style: chrX-100505996-C-T.
Other names: c.1555C>T, p.Arg519Trp (NM_001171184.2); short protein forms R519W, R597W.
Identifiers: ClinVar variation 1335784 (VCV001335784.36), dbSNP rs2147348457, ClinGen allele CA413930916.
Genomic context (GRCh38, chrX:101,251,007, plus strand): 5'-CAGTTCCTGGAGTGGGTCAACCTGGAGCCCCAGTCCATGGTGTGGCTGGCTGTTCTGCAT[C>T]GGGTCACCATTGCTGAGCAAGTGAAGCATCAGACCAAGTGCTCTATCTGTAGGCAGTGCC-3'
Protein context (NP_001930.2, residues 587-607): QSMVWLAVLH[Arg597Trp]VTIAEQVKHQ

ClinVar aggregate classification (germline): Uncertain significance. Review status: criteria provided, multiple submitters, no conflicts (2 of 4 stars). 2 submissions from 2 submitters: Uncertain significance (2). Last evaluated 2025-11-24.

Submissions (2):

Labcorp Genetics (formerly Invitae), Labcorp
Classification: Uncertain significance. Last evaluated: 2025-11-24. Review status: criteria provided, single submitter. Criteria: Invitae Variant Classification Sherloc (09022015). Collection method: clinical testing. Allele origin: germline.
Comment: This sequence change replaces arginine, which is basic and polar, with tryptophan, which is neutral and slightly polar, at codon 597 of the DRP2 protein (p.Arg597Trp). This variant is not present in population databases (gnomAD no frequency). This variant has not been reported in the literature in individuals affected with DRP2-related conditions. ClinVar contains an entry for this variant (Variation ID: 1335784). Invitae Evidence Modeling of protein sequence and biophysical properties (such as structural, functional, and spatial information, amino acid conservation, physicochemical variation, residue mobility, and thermodynamic stability) has been performed for this missense variant. However, the output from this modeling did not meet the statistical confidence thresholds required to predict the impact of this variant on DRP2 protein function. In summary, the available evidence is currently insufficient to determine the role of this variant in disease. Therefore, it has been classified as a Variant of Uncertain Significance.

CeGaT Center for Human Genetics Tuebingen
Classification: Uncertain significance. Last evaluated: 2021-11-01. Review status: criteria provided, single submitter. Criteria: CeGaT Center For Human Genetics Tuebingen Variant Classification Criteria Version 2. Collection method: clinical testing. Allele origin: germline. Affected: yes. Observed: 1 variant allele.